The following is an entry in ClinVar:

NM_017947.4(MOCOS):c.1232C>T (p.Ala411Val)

Gene: MOCOS (molybdenum cofactor sulfurase; plus strand). Cytogenetic location: 18q12.2.
Variant type: single nucleotide variant.
Coding change: c.1232C>T on transcript NM_017947.4 (MANE Select); coding-DNA position 1232, C replaced by T.
Protein change: p.Ala411Val; replaces alanine 411 with valine.
Molecular consequence: missense variant.
Genome position (GRCh38, 1-based): chr18:36,213,379, C>T. VCF-style: chr18-36213379-C-T. GRCh37 (hg19) VCF-style: chr18-33793342-C-T.
Other names: c.1232C>T (NM_017947.2); short protein forms A411V.
Identifiers: ClinVar variation 1511705 (VCV001511705.5), dbSNP rs755340405, ClinGen allele CA8940668.

ClinVar aggregate classification (germline): Uncertain significance. Review status: criteria provided, multiple submitters, no conflicts (2 of 4 stars). 2 submissions from 2 submitters: Uncertain significance (2). Last evaluated 2024-01-03.

Conditions:
Xanthinuria type II. Also called: Xanthine dehydrogenase and aldehyde oxidase combined deficiency of; XDH and AOX dual deficiency. Identifiers: Orphanet 3467, Orphanet 93602, MedGen C1863688, MONDO:0011346, OMIM 603592.

Allele frequency attached by ClinVar (database versions not stated): ExAC 0.00001; gnomAD exomes 0.00001; gnomAD 0.00002.
gnomAD v4.1: 14 of 1,613,926 alleles (0.00087%); highest among the groups gnomAD compares: Non-Finnish European, 0.0012%; no homozygotes.

Submissions (2):

Ambry Genetics
Classification: Uncertain significance. Last evaluated: 2024-01-03. Review status: criteria provided, single submitter. Criteria: Ambry Variant Classification Scheme 2023. Collection method: clinical testing. Allele origin: germline.

Labcorp Genetics (formerly Invitae), Labcorp
Classification: Uncertain significance for Xanthinuria type II. Last evaluated: 2024-01-02. Review status: criteria provided, single submitter. Criteria: Invitae Variant Classification Sherloc (09022015). Collection method: clinical testing. Allele origin: germline.
Comment: This sequence change replaces alanine, which is neutral and non-polar, with valine, which is neutral and non-polar, at codon 411 of the MOCOS protein (p.Ala411Val). This variant is present in population databases (rs755340405, gnomAD 0.002%). This variant has not been reported in the literature in individuals affected with MOCOS-related conditions. ClinVar contains an entry for this variant (Variation ID: 1511705). Advanced modeling of protein sequence and biophysical properties (such as structural, functional, and spatial information, amino acid conservation, physicochemical variation, residue mobility, and thermodynamic stability) has been performed at Invitae for this missense variant, however the output from this modeling did not meet the statistical confidence thresholds required to predict the impact of this variant on MOCOS protein function. In summary, the available evidence is currently insufficient to determine the role of this variant in disease. Therefore, it has been classified as a Variant of Uncertain Significance.